The following is an entry in ClinVar:

NM_001365536.1(SCN9A):c.4025T>C (p.Leu1342Ser)

Genes: SCN9A (sodium voltage-gated channel alpha subunit 9; minus strand), SCN1A-AS1 (SCN1A and SCN9A antisense RNA 1; plus strand). Cytogenetic location: 2q24.3.
Variant type: single nucleotide variant.
Coding change: c.4025T>C on transcript NM_001365536.1 (MANE Select); coding-DNA position 4025, T replaced by C.
Protein change: p.Leu1342Ser; replaces leucine 1342 with serine.
Molecular consequence: missense variant.
Genome position (GRCh38, 1-based): chr2:166,228,872, A>G on the plus strand (T>C on the coding strand, the complement: SCN9A is on the minus strand). VCF-style: chr2-166228872-A-G. GRCh37 (hg19) VCF-style: chr2-167085382-A-G.
Other names: c.3992T>C, p.Leu1331Ser (NM_002977.4); short protein forms L1331S, L1342S.
Identifiers: ClinVar variation 1412334 (VCV001412334.8), dbSNP rs1553479199, ClinGen allele CA349064198.

ClinVar aggregate classification (germline): Uncertain significance (1 of 4 stars; one submission).

Conditions:
Generalized epilepsy with febrile seizures plus, type 7 (GEFSP7). Also called: GEFS+, TYPE 7. Identifiers: Orphanet 36387, MedGen C2751778, MONDO:0013470, OMIM 613863.
Neuropathy, hereditary sensory and autonomic, type 2A (HSAN2A). Also called: WNK1-Related HSAN2 (HSAN2A); MORVAN DISEASE; NEUROPATHY, CONGENITAL SENSORY; NEUROPATHY, HEREDITARY SENSORY RADICULAR, AUTOSOMAL RECESSIVE; NEUROPATHY, HEREDITARY SENSORY, TYPE IIA; NEUROPATHY, PROGRESSIVE SENSORY, OF CHILDREN. Identifiers: Orphanet 970, MedGen C2752089, MONDO:0024309, OMIM 201300.

Submission:

Labcorp Genetics (formerly Invitae), Labcorp
Classification: Uncertain significance for Neuropathy, hereditary sensory and autonomic, type 2A; Generalized epilepsy with febrile seizures plus, type 7. Last evaluated: 2021-03-01. Review status: criteria provided, single submitter. Criteria: Invitae Variant Classification Sherloc (09022015). Collection method: clinical testing. Allele origin: germline.
Comment: In summary, the available evidence is currently insufficient to determine the role of this variant in disease. Therefore, it has been classified as a Variant of Uncertain Significance. Algorithms developed to predict the effect of missense changes on protein structure and function (SIFT, PolyPhen-2, Align-GVGD) all suggest that this variant is likely to be disruptive, but these predictions have not been confirmed by published functional studies and their clinical significance is uncertain. This variant has not been reported in the literature in individuals with SCN9A-related conditions. This variant is not present in population databases (ExAC no frequency). This sequence change replaces leucine with serine at codon 1331 of the SCN9A protein (p.Leu1331Ser). The leucine residue is highly conserved and there is a large physicochemical difference between leucine and serine.